The following is an entry in ClinVar:

NM_000500.9(CYP21A2):c.292+10G>A

Genes: CYP21A2 (cytochrome P450 family 21 subfamily A member 2; plus strand), LOC106780800 (CYP21A2 recombination region; plus strand). Cytogenetic location: 6p21.33.
Variant type: single nucleotide variant.
Coding change: c.292+10G>A on transcript NM_000500.9 (MANE Select); 10 bases into the intron after coding-DNA position 292, G replaced by A.
Molecular consequence: intron variant.
Genome position (GRCh38, 1-based): chr6:32,038,821, G>A. VCF-style: chr6-32038821-G-A. GRCh37 (hg19) VCF-style: chr6-32006598-G-A.
Other names: c.-133+10G>A (NM_001368143.2); c.-133+197G>A (NM_001368144.2); c.202+197G>A (NM_001128590.4).
Identifiers: ClinVar variation 2684169 (VCV002684169.1), dbSNP rs745712520, ClinGen allele CA3732312.

ClinVar aggregate classification (germline): Uncertain significance (1 of 4 stars; one submission).

Allele frequency attached by ClinVar (database versions not stated): gnomAD 0.00003; gnomAD exomes 0.00005; ExAC 0.00008.
gnomAD v4.1: 68 of 1,411,554 alleles (0.0048%); highest among the groups gnomAD compares: Middle Eastern, 0.035%; no homozygotes.

Submission:

Athena Diagnostics
Classification: Uncertain significance. Last evaluated: 2023-05-24. Review status: criteria provided, single submitter. Criteria: Athena Diagnostics Criteria. Collection method: clinical testing. Allele origin: unknown.
Comment: Available data are insufficient to determine the clinical significance of the variant at this time. The frequency of this variant in the general population is uninformative in assessment of its pathogenicity. Computational tools yielded predictions that this variant is unlikely to have an effect on normal RNA splicing.